The following is an entry in ClinVar:

ClinVar aggregate classification (germline): Uncertain significance (1 of 4 stars; one submission).

Allele frequency attached by ClinVar (database versions not stated): gnomAD exomes below 0.00001; TOPMed 0.00001.
gnomAD v4.1: 1 of 1,612,962 alleles (0.000062%); highest among the groups gnomAD compares: Non-Finnish European, 0.000085%; no homozygotes.

Submission:

Labcorp Genetics (formerly Invitae), Labcorp
Classification: Uncertain significance. Last evaluated: 2022-04-22. Review status: criteria provided, single submitter. Criteria: Invitae Variant Classification Sherloc (09022015). Collection method: clinical testing. Allele origin: germline.
Comment: This sequence change replaces alanine, which is neutral and non-polar, with valine, which is neutral and non-polar, at codon 58 of the CNGA3 protein (p.Ala58Val). This variant is not present in population databases (gnomAD no frequency). This variant has not been reported in the literature in individuals affected with CNGA3-related conditions. Advanced modeling of protein sequence and biophysical properties (such as structural, functional, and spatial information, amino acid conservation, physicochemical variation, residue mobility, and thermodynamic stability) performed at Invitae indicates that this missense variant is not expected to disrupt CNGA3 protein function. In summary, the available evidence is currently insufficient to determine the role of this variant in disease. Therefore, it has been classified as a Variant of Uncertain Significance.

NM_001298.3(CNGA3):c.173C>T (p.Ala58Val)

Gene: CNGA3 (cyclic nucleotide gated channel subunit alpha 3; plus strand). Cytogenetic location: 2q11.2.
Variant type: single nucleotide variant.
Coding change: c.173C>T on transcript NM_001298.3 (MANE Select); coding-DNA position 173, C replaced by T.
Protein change: p.Ala58Val; replaces alanine 58 with valine.
Molecular consequence: missense variant.
Genome position (GRCh38, 1-based): chr2:98,377,758, C>T. VCF-style: chr2-98377758-C-T. GRCh37 (hg19) VCF-style: chr2-98994221-C-T.
Other names: c.173C>T, p.Ala58Val (NM_001079878.2); short protein forms A58V.
Identifiers: ClinVar variation 2129439 (VCV002129439.1), dbSNP rs1574375743, ClinGen allele CA347830437.
Genomic context (GRCh38, chr2:98,377,758, plus strand): 5'-CAAGTGAGGAGACATCGTCAGTGCTGCAGCCGGGGATCGCCATGGAGACCAGAGGACTGG[C>T]TGACTCCGGGCAGGGCTCCTTCACCGGCCAGGGGATCGCCAGGTAACTGACCAGCCTCAG-3'
Protein context (NP_001289.1, residues 48-68): PGIAMETRGL[Ala58Val]DSGQGSFTGQ